The following is an entry in ClinVar:

ClinVar aggregate classification (germline): Uncertain significance (1 of 4 stars; one submission).

Conditions:
Primary ciliary dyskinesia 28. Also called: CILIARY DYSKINESIA, PRIMARY, 28, WITH OR WITHOUT SITUS INVERSUS. Identifiers: Orphanet 244, MedGen C3809706, MONDO:0014216, OMIM 615505.

Allele frequency attached by ClinVar (database versions not stated): gnomAD exomes 0.00001 and 0.00003; ExAC 0.00002; gnomAD 0.00002; TOPMed 0.00002.
gnomAD v4.1: 50 of 1,613,502 alleles (0.0031%); highest among the groups gnomAD compares: Middle Eastern, 0.017%; no homozygotes.

Submission:

Labcorp Genetics (formerly Invitae), Labcorp
Classification: Uncertain significance for Primary ciliary dyskinesia 28. Last evaluated: 2023-11-27. Review status: criteria provided, single submitter. Criteria: Invitae Variant Classification Sherloc (09022015). Collection method: clinical testing. Allele origin: germline.
Comment: This sequence change replaces arginine, which is basic and polar, with cysteine, which is neutral and slightly polar, at codon 613 of the SPAG1 protein (p.Arg613Cys). This variant is present in population databases (rs201629491, gnomAD 0.003%). This variant has not been reported in the literature in individuals affected with SPAG1-related conditions. ClinVar contains an entry for this variant (Variation ID: 1395623). Advanced modeling of protein sequence and biophysical properties (such as structural, functional, and spatial information, amino acid conservation, physicochemical variation, residue mobility, and thermodynamic stability) performed at Invitae indicates that this missense variant is not expected to disrupt SPAG1 protein function with a negative predictive value of 80%. In summary, the available evidence is currently insufficient to determine the role of this variant in disease. Therefore, it has been classified as a Variant of Uncertain Significance.

NM_003114.5(SPAG1):c.1837C>T (p.Arg613Cys)

Gene: SPAG1 (sperm associated antigen 1; plus strand). Cytogenetic location: 8q22.2.
Variant type: single nucleotide variant.
Coding change: c.1837C>T on transcript NM_003114.5 (MANE Select); coding-DNA position 1837, C replaced by T.
Protein change: p.Arg613Cys; replaces arginine 613 with cysteine.
Molecular consequence: missense variant.
Genome position (GRCh38, 1-based): chr8:100,225,321, C>T. VCF-style: chr8-100225321-C-T. GRCh37 (hg19) VCF-style: chr8-101237549-C-T.
Other names: c.1837C>T, p.Arg613Cys (NM_001374321.1, NM_172218.3); short protein forms R613C.
Identifiers: ClinVar variation 1395623 (VCV001395623.6), dbSNP rs201629491, ClinGen allele CA4827599.